The following is an entry in ClinVar:

NM_133433.4(NIPBL):c.169A>G (p.Arg57Gly)

Gene: NIPBL (NIPBL cohesin loading factor; plus strand). Cytogenetic location: 5p13.2.
Variant type: single nucleotide variant.
Coding change: c.169A>G on transcript NM_133433.4 (MANE Select); coding-DNA position 169, A replaced by G.
Protein change: p.Arg57Gly; replaces arginine 57 with glycine.
Molecular consequence: missense variant.
Genome position (GRCh38, 1-based): chr5:36,955,576, A>G. VCF-style: chr5-36955576-A-G. GRCh37 (hg19) VCF-style: chr5-36955678-A-G.
Other names: c.169A>G (NM_133433.3); c.169A>G, p.Arg57Gly (NM_015384.5); short protein forms R57G.
Identifiers: ClinVar variation 2050804 (VCV002050804.6), dbSNP rs539552810, ClinGen allele CA117021532.

ClinVar aggregate classification (germline): Uncertain significance. Review status: criteria provided, multiple submitters, no conflicts (2 of 4 stars). 3 submissions from 3 submitters: Uncertain significance (3). Last evaluated 2026-04-11.

Conditions:
Inborn genetic diseases. Identifiers: MedGen C0950123, MeSH D030342.
Cornelia de Lange syndrome 1 (CDLS1). Also called: TYPUS DEGENERATIVUS AMSTELODAMENSIS; Brachmann de Lange syndrome; NIPBL-Related Cornelia de Lange Syndrome. Identifiers: Orphanet 199, MedGen C4551851, MONDO:0007387, OMIM 122470.

Allele frequency attached by ClinVar (database versions not stated): gnomAD exomes 0.00001; TOPMed 0.00001; gnomAD 0.00004; 1000 Genomes Project 30x 0.00031; 1000 Genomes Project 0.00020.
gnomAD v4.1: 9 of 1,614,076 alleles (0.00056%); highest among the groups gnomAD compares: Admixed American, 0.015%; no homozygotes.

Submissions (3):

Ambry Genetics
Classification: Uncertain significance for Inborn genetic diseases. Last evaluated: 2026-04-11. Review status: criteria provided, single submitter. Criteria: Ambry Variant Classification Scheme 2023. Collection method: clinical testing. Allele origin: germline.
Comment: The c.169A>G (p.R57G) alteration is located in exon 3 (coding exon 2) of the NIPBL gene. This alteration results from a A to G substitution at nucleotide position 169, causing the arginine (R) at amino acid position 57 to be replaced by a glycine (G). Based on data from gnomAD, the G allele has an overall frequency of <0.001% (1/251338) total alleles studied. The highest observed frequency was 0.003% (1/34590) of Latino alleles. Based on insufficient or conflicting evidence, the clinical significance of this alteration remains unclear.

Fulgent Genetics
Classification: Uncertain significance for Cornelia de Lange syndrome 1. Last evaluated: 2024-06-24. Review status: criteria provided, single submitter. Criteria: ACMG Guidelines, 2015. Collection method: clinical testing. Allele origin: germline.

Labcorp Genetics (formerly Invitae), Labcorp
Classification: Uncertain significance for Cornelia de Lange syndrome 1. Last evaluated: 2024-05-14. Review status: criteria provided, single submitter. Criteria: Invitae Variant Classification Sherloc (09022015). Collection method: clinical testing. Allele origin: germline.
Comment: This sequence change replaces arginine, which is basic and polar, with glycine, which is neutral and non-polar, at codon 57 of the NIPBL protein (p.Arg57Gly). This variant is not present in population databases (gnomAD no frequency). This variant has not been reported in the literature in individuals affected with NIPBL-related conditions. ClinVar contains an entry for this variant (Variation ID: 2050804). Advanced modeling of protein sequence and biophysical properties (such as structural, functional, and spatial information, amino acid conservation, physicochemical variation, residue mobility, and thermodynamic stability) performed at Invitae indicates that this missense variant is expected to disrupt NIPBL protein function with a positive predictive value of 95%. In summary, the available evidence is currently insufficient to determine the role of this variant in disease. Therefore, it has been classified as a Variant of Uncertain Significance.